The following is an entry in ClinVar:

ClinVar aggregate classification (germline): Likely benign (1 of 4 stars; one submission).

Conditions:
Neuropathy, hereditary sensory and autonomic, type 2B (HSAN2B). Also called: RETREG1-Related HSAN2 (HSAN2B). Identifiers: Orphanet 970, MedGen C2751092, MONDO:0013142, OMIM 613115.

Allele frequency attached by ClinVar (database versions not stated): 1000 Genomes Project 0.00080; 1000 Genomes Project 30x 0.00125; TOPMed 0.00255; gnomAD 0.00287 and 0.00294.

Submission:

Illumina Laboratory Services, Illumina
Classification: Likely benign for Neuropathy, hereditary sensory and autonomic, type 2B. Last evaluated: 2018-01-12. Review status: criteria provided, single submitter. Criteria: ICSL Variant Classification Criteria 13 December 2019. Collection method: clinical testing. Allele origin: germline.
Comment: This variant was observed in the ICSL laboratory as part of a predisposition screen in an ostensibly healthy population. It had not been previously curated by ICSL or reported in the Human Gene Mutation Database (HGMD: prior to June 1st, 2018), and was therefore a candidate for classification through an automated scoring system. Utilizing variant allele frequency, disease prevalence and penetrance estimates, and inheritance mode, an automated score was calculated to assess if this variant is too frequent to cause the disease. Based on the score and internal cut-off values, a variant classified as likely benign is not then subjected to further curation. The score for this variant resulted in a classification of likely benign for this disease.

NM_001034850.3(RETREG1):c.*1026T>C

Gene: RETREG1 (reticulophagy regulator 1; minus strand). Cytogenetic location: 5p15.1.
Variant type: single nucleotide variant.
Coding change: c.*1026T>C on transcript NM_001034850.3 (MANE Select); 1026 bases downstream of the stop codon, T replaced by C.
Molecular consequence: 3 prime UTR variant.
Genome position (GRCh38, 1-based): chr5:16,473,715, A>G on the plus strand (T>C on the coding strand, the complement: RETREG1 is on the minus strand). VCF-style: chr5-16473715-A-G. GRCh37 (hg19) VCF-style: chr5-16473824-A-G.
Other names: c.*1026T>C (NM_019000.5).
Identifiers: ClinVar variation 905278 (VCV000905278.4), dbSNP rs191157317, ClinGen allele CA15362246.